The following is an entry in ClinVar:

ClinVar aggregate classification (germline): Uncertain significance (1 of 4 stars; one submission).

Submission:

Labcorp Genetics (formerly Invitae), Labcorp
Classification: Uncertain significance. Last evaluated: 2019-11-27. Review status: criteria provided, single submitter. Criteria: Invitae Variant Classification Sherloc (09022015). Collection method: clinical testing. Allele origin: germline.
Comment: This variant results in a copy number gain of the genomic region encompassing the full coding sequence of the PRDM13 gene. The boundaries of this event are unknown as they extend beyond the assayed region for this gene and therefore may encompass additional genes. As the precise location of this event is unknown, it may be in tandem or it may be located elsewhere in the genome. A tandem duplication of PRDM13 has been observed to segregate with autosomal dominant North Carolina macular dystrophy in a large family (PMID: 26507665); however, the current clinical and genetic evidence is not sufficient to establish whether variants in PRDM13 cause macular dystrophy. In summary, the available evidence is currently insufficient to determine the role of this variant in disease. Therefore, it has been classified as a Variant of Uncertain Significance.

Literature cited by the submitters: PubMed 26507665.

NC_000006.12:g.(?_99562842)_(99614759_?)dup

Genes: CCNC (cyclin C; minus strand), PRDM13 (PR/SET domain 13; plus strand). Cytogenetic location: 6q16.2.
Variant type: Duplication.
Identifiers: ClinVar variation 830464 (VCV000830464.1).